The following is an entry in ClinVar:

NM_015443.4(KANSL1):c.2393-2A>G

Gene: KANSL1 (KAT8 regulatory NSL complex subunit 1). Cytogenetic location: 17q21.31.
Variant type: single nucleotide variant.
Coding change: c.2393-2A>G on transcript NM_015443.4 (MANE Select); the canonical splice acceptor site of the intron before coding-DNA position 2393, A replaced by G.
Molecular consequence: splice acceptor variant.
Genome position (GRCh38, 1-based): chr17:46,038,688, T>C on the plus strand (A>G on the coding strand, the complement: KANSL1 is on the minus strand). VCF-style: chr17-46038688-T-C. GRCh37 (hg19) VCF-style: chr17-44116054-T-C.
Other names: c.938-2A>G (NM_001405885.1, NM_001405884.1); c.2291-2A>G (NM_001405859.1, NM_001405881.1, NM_001405861.1 and 1 more transcripts); c.2204-2A>G (NM_001405879.1, NM_001405875.1, NM_001405878.1 and 3 more transcripts); c.1127-2A>G (NM_001405883.1, NM_001405882.1); c.2393-2A>G (NM_001193465.2, NM_001405872.1, NM_001379198.1 and 8 more transcripts).
Identifiers: ClinVar variation 4294091 (VCV004294091.1).

ClinVar aggregate classification (germline): Likely pathogenic (1 of 4 stars; one submission).

Conditions:
Koolen-de Vries syndrome (KDVS). Identifiers: Orphanet 96169, MedGen C1864871, MONDO:0012496, OMIM 610443.

Submission:

3billion
Classification: Likely pathogenic for Koolen-de Vries syndrome. Last evaluated: 2024-07-26. Review status: criteria provided, single submitter. Criteria: ACMG Guidelines, 2015. Collection method: clinical testing. Allele origin: germline. Affected: yes.
Comment: The variant is not observed in the gnomAD v4.0.0 dataset. Predicted Consequence/Location: Canonical splice site: predicted to alter splicing and result in a loss or disruption of normal protein function. Multiple pathogenic loss-of-function variants are reported downstream of the variant. In silico tools predict the variant to alter splicing and produce an abnormal transcript [SpliceAI: 0.99 (spliceogenicity >=0.2, non-spliceogenicity <0.1)]. Therefore, this variant is classified as Likely pathogenic according to the recommendation of ACMG/AMP guideline.